The following is an entry in ClinVar:

ClinVar aggregate classification (germline): Benign. Review status: criteria provided, multiple submitters, no conflicts (2 of 4 stars). 13 submissions from 12 submitters: Benign (11). 2 of the submissions do not count toward it. Last evaluated 2026-06-17.

Conditions:
Polyps, multiple and recurrent inflammatory fibroid, gastrointestinal. Identifiers: MedGen C5193005, MONDO:0008285, OMIM 175510.
Idiopathic hypereosinophilic syndrome (HES). Identifiers: Orphanet 3260, MedGen C0206141, MONDO:0011895, OMIM 607685. Disease mechanism: gain of function.
Gastrointestinal stromal tumor. Also called: Gastrointestinal stroma tumor; Gastrointestinal stromal tumor, somatic. Identifiers: Orphanet 44890, MedGen C0238198, MeSH D046152, MONDO:0011719, OMIM 606764, HP:0100723.
Squamous cell lung carcinoma. Also called: Lung cancer, squamous cell, somatic; Squamous cell carcinoma of lung. Identifiers: MedGen C0149782, MONDO:0005097, HP:0030359.
Carcinoma of colon (CRC). Also called: Colonic carcinoma; Colon carcinoma. Identifiers: MedGen C0699790, MONDO:0002032.
Hereditary cancer-predisposing syndrome. Also called: Tumor predisposition; Hereditary neoplastic syndrome; Hereditary Cancer Syndrome; Neoplastic Syndromes, Hereditary. Identifiers: Orphanet 140162, MedGen C0027672, MeSH D009386, MONDO:0015356.

Allele frequency attached by ClinVar (database versions not stated): 1000 Genomes Project 30x 0.95472; 1000 Genomes Project 0.95767; ESP Exome Variant Server 0.95887; TOPMed 0.96142; gnomAD 0.96449 and 0.96658; ExAC 0.98804; gnomAD exomes 0.99005 and 0.99551.
gnomAD v4.1: 1,601,855 of 1,613,940 alleles (99%); highest among the groups gnomAD compares: East Asian, 100%; 795,435 homozygotes.

Submissions (13):

Myriad Genetics, Inc.
Classification: Benign for Polyps, multiple and recurrent inflammatory fibroid, gastrointestinal. Last evaluated: 2026-06-17. Review status: criteria provided, single submitter. Criteria: Myriad Autosomal Dominant, Autosomal Recessive and X-Linked Classification Criteria (2023). Collection method: clinical testing. Allele origin: unknown.
Comment: This variant is considered benign. This variant is a silent/synonymous amino acid change and it is not expected to impact splicing.

Labcorp Genetics (formerly Invitae), Labcorp
Classification: Benign for Gastrointestinal stromal tumor. Last evaluated: 2026-02-04. Review status: criteria provided, single submitter. Criteria: Invitae Variant Classification Sherloc (09022015). Collection method: clinical testing. Allele origin: germline.

Blueprint Genetics
Classification: Benign. Last evaluated: 2024-11-26. Review status: criteria provided, single submitter. Criteria: ACMG Guidelines, 2015. Collection method: clinical testing. Allele origin: germline.

Mayo Clinic Laboratories, Mayo Clinic
Classification: Benign. Last evaluated: 2022-05-05. Review status: criteria provided, single submitter. Criteria: ACMG Guidelines, 2015. Collection method: clinical testing. Allele origin: germline. Observed: 530 variant alleles.

Ambry Genetics
Classification: Benign for Hereditary cancer-predisposing syndrome. Last evaluated: 2018-09-13. Review status: criteria provided, single submitter. Criteria: Ambry Variant Classification Scheme 2023. Collection method: clinical testing. Allele origin: germline.

GeneDx
Classification: Benign. Last evaluated: 2018-06-22. Review status: criteria provided, single submitter. Criteria: GeneDx Variant Classification Process June 2021. Collection method: clinical testing. Allele origin: germline. Affected: yes.

Illumina Laboratory Services, Illumina
Classification: Benign for Idiopathic hypereosinophilic syndrome. Last evaluated: 2018-01-12. Review status: criteria provided, single submitter. Criteria: ICSL Variant Classification Criteria 13 December 2019. Collection method: clinical testing. Allele origin: germline.
Comment: This variant was observed in the ICSL laboratory as part of a predisposition screen in an ostensibly healthy population. It had not been previously curated by ICSL or reported in the Human Gene Mutation Database (HGMD: prior to June 1st, 2018), and was therefore a candidate for classification through an automated scoring system. Utilizing variant allele frequency, disease prevalence and penetrance estimates, and inheritance mode, an automated score was calculated to assess if this variant is too frequent to cause the disease. Based on the score and internal cut-off values, a variant classified as benign is not then subjected to further curation. The score for this variant resulted in a classification of benign for this disease.

Illumina Laboratory Services, Illumina
Classification: Benign for Gastrointestinal stromal tumor. Last evaluated: 2018-01-12. Review status: criteria provided, single submitter. Criteria: ICSL Variant Classification Criteria 13 December 2019. Collection method: clinical testing. Allele origin: germline.
Comment: the same text as in the submission from Illumina Laboratory Services, Illumina above.

Laboratory for Molecular Medicine, Mass General Brigham Personalized Medicine
Classification: Benign. Last evaluated: 2016-03-29. Review status: criteria provided, single submitter. Criteria: LMM Criteria. Collection method: clinical testing. Allele origin: germline.
Comment: Variant identified in a genome or exome case(s) and assessed due to predicted null impact of the variant or pathogenic assertions in the literature or databases. Disclaimer: This variant has not undergone full assessment. The following are preliminary notes: Frequency

Breakthrough Genomics
Classification: Benign. Review status: criteria provided, single submitter. Criteria: ACMG Guidelines, 2015. Collection method: not provided. Allele origin: germline. Inheritance: Autosomal dominant inheritance. Affected: yes.

PreventionGenetics, part of Exact Sciences
Classification: Benign. Review status: criteria provided, single submitter. Criteria: ACMG Guidelines, 2015. Collection method: clinical testing. Allele origin: germline.

Faculté Pluridciplinaire Nador, Université Mohamed Premier
Classification: Likely benign for Squamous Cell Lung Carcinoma. Last evaluated: 2020-05-05. Review status: no assertion criteria provided. Collection method: clinical testing, in vivo. Allele origin: somatic. Affected: yes. Observed: 1 variant allele. Not counted in ClinVar's aggregate classification.

Department of Pathology and Laboratory Medicine, Sinai Health System
Classification: Benign for Carcinoma of colon. Review status: no assertion criteria provided. Collection method: clinical testing. Allele origin: unknown. Affected: yes. Observed: 19 variant alleles. Study: The Canadian Open Genetics Repository (COGR). Not counted in ClinVar's aggregate classification.
Comment: This variant was identified in the 1000 Genomes Project in 80 of 2162 chromosomes (frequency: 0.037), Exome Variant Server project in 8587 of 9122 European American and in 3884 of 4406 African American alleles, increasing the likelihood that this is/may be a low frequency benign variant in certain populations of origin. The p.Pro567Pro variant is not expected to have clinical significance because it does not result in a change of amino acid and is not located in a known consensus splice site.In addition, in silico or computational prediction software programs (SpliceSiteFinder, MaxEntScan, NNSPLICE, GeneSplicer, HumanSpliceFinder) do not predict a difference in splicing. In summary, based on the above information, this variant meets our laboratory's criteria to be classified as benign.

Literature cited by the submitters: DOI 10.3389/fonc.2020.01215 (cited by Faculté Pluridciplinaire Nador, Université Mohamed Premier).

NM_006206.6(PDGFRA):c.1701A>G (p.Pro567=)

Gene: PDGFRA (platelet derived growth factor receptor alpha; plus strand). Cytogenetic location: 4q12.
Variant type: single nucleotide variant.
Coding change: c.1701A>G on transcript NM_006206.6 (MANE Select); coding-DNA position 1701, A replaced by G.
Protein change: p.Pro567=; no amino-acid change (proline 567 retained).
Molecular consequence: synonymous variant.
Genome position (GRCh38, 1-based): chr4:54,274,888, A>G. VCF-style: chr4-54274888-A-G. GRCh37 (hg19) VCF-style: chr4-55141055-A-G.
Other names: p.Pro567=; c.1701A>G, p.Pro567= (NM_001347827.2, NM_001347829.2); c.1776A>G, p.Pro592= (NM_001347828.2); c.1740A>G, p.Pro580= (NM_001347830.2).
Identifiers: ClinVar variation 259949 (VCV000259949.28), dbSNP rs1873778, ClinGen allele CA2922663.
Genomic context (GRCh38, chr4:54,274,888, plus strand): 5'-TGGTCATTTATAGAAACCGAGGTATGAAATTCGCTGGAGGGTCATTGAATCAATCAGCCC[A>G]GATGGACATGAATATATTTATGTGGACCCGATGCAGCTGCCTTATGACTCAAGATGGGAG-3'
Protein context (NP_006197.1, residues 557-577): IRWRVIESIS[Pro567=]DGHEYIYVDP